The following is an entry in ClinVar:

NM_001384900.1(SEMA3D):c.2271G>T (p.Lys757Asn)

Genes: SEMA3D (semaphorin 3D; minus strand), LOC126860094 (BRD4-independent group 4 enhancer GRCh37_chr7:84628763-84629962; plus strand). Cytogenetic location: 7q21.11.
Variant type: single nucleotide variant.
Coding change: c.2271G>T on transcript NM_001384900.1 (MANE Select); coding-DNA position 2271, G replaced by T.
Protein change: p.Lys757Asn; replaces lysine 757 with asparagine.
Molecular consequence: missense variant.
Genome position (GRCh38, 1-based): chr7:84,999,503, C>A on the plus strand (G>T on the coding strand, the complement: SEMA3D is on the minus strand). VCF-style: chr7-84999503-C-A. GRCh37 (hg19) VCF-style: chr7-84628819-C-A.
Other names: c.2271G>T, p.Lys757Asn (NM_001384901.1, NM_001384902.1, NM_001384903.1 and 1 more transcripts); short protein forms K757N.
Identifiers: ClinVar variation 3345958 (VCV003345958.1).

ClinVar aggregate classification (germline): Uncertain significance (0 of 4 stars; one submission).

Conditions:
SEMA3D-related disorder. Also called: SEMA3D-related condition.

gnomAD v4.1: 8 of 1,614,072 alleles (0.0005%); highest among the groups gnomAD compares: Non-Finnish European, 0.00068%; no homozygotes.

Submission:

PreventionGenetics, part of Exact Sciences
Classification: Uncertain significance for SEMA3D-related condition. Last evaluated: 2024-04-30. Review status: no assertion criteria provided. Collection method: clinical testing. Allele origin: germline.
Comment: The SEMA3D c.2271G>T variant is predicted to result in the amino acid substitution p.Lys757Asn. To our knowledge, this variant has not been reported in the literature or in a large population database, indicating this variant is rare. At this time, the clinical significance of this variant is uncertain due to the absence of conclusive functional and genetic evidence.